The following is an entry in ClinVar:

NM_001148.6(ANK2):c.2864A>G (p.Asp955Gly)

Gene: ANK2 (ankyrin 2; plus strand). Cytogenetic location: 4q26.
Variant type: single nucleotide variant.
Coding change: c.2864A>G on transcript NM_001148.6 (MANE Select); coding-DNA position 2864, A replaced by G.
Protein change: p.Asp955Gly; replaces aspartic acid 955 with glycine.
Molecular consequence: missense variant.
Genome position (GRCh38, 1-based): chr4:113,318,584, A>G. VCF-style: chr4-113318584-A-G. GRCh37 (hg19) VCF-style: chr4-114239740-A-G.
Other names: c.2801A>G, p.Asp934Gly (NM_001127493.3, NM_001354243.2, NM_001354255.2 and 3 more transcripts); c.2876A>G, p.Asp959Gly (NM_001354225.2); c.2864A>G, p.Asp955Gly (NM_001354228.2, NM_001354232.2, NM_001354258.2 and 1 more transcripts); c.2906A>G, p.Asp969Gly (NM_001354230.2, NM_001354231.2, NM_001354237.2 and 1 more transcripts); c.2861A>G, p.Asp954Gly (NM_001354235.2, NM_001354236.2, NM_001354246.2 and 1 more transcripts); c.2798A>G, p.Asp933Gly (NM_001354239.2, NM_001354244.2, NM_001354252.2 and 3 more transcripts); c.2909A>G, p.Asp970Gly (NM_001354240.2, NM_001354241.2, NM_001386144.1); c.2765A>G, p.Asp922Gly (NM_001354245.2, NM_001354268.2); and 17 more; short protein forms D164G, D827G, D860G, D884G, D888G, D893G, D901G, D921G.
Identifiers: ClinVar variation 1000017 (VCV001000017.5), dbSNP rs1290824364, ClinGen allele CA357931822.

ClinVar aggregate classification (germline): Uncertain significance (1 of 4 stars; one submission).

Conditions:
Long QT syndrome (LQTS). Identifiers: MedGen C0023976, MeSH D008133, MONDO:0002442. Disease mechanism: loss of function. Inheritance: Various modes of inheritance.

Allele frequency attached by ClinVar (database versions not stated): gnomAD exomes 0.00001.
gnomAD v4.1: 11 of 1,613,736 alleles (0.00068%); highest among the groups gnomAD compares: Non-Finnish European, 0.00093%; no homozygotes.

Submission:

Labcorp Genetics (formerly Invitae), Labcorp
Classification: Uncertain significance for Long QT syndrome. Last evaluated: 2024-04-22. Review status: criteria provided, single submitter. Criteria: Invitae Variant Classification Sherloc (09022015). Collection method: clinical testing. Allele origin: germline.
Comment: This sequence change replaces aspartic acid, which is acidic and polar, with glycine, which is neutral and non-polar, at codon 955 of the ANK2 protein (p.Asp955Gly). This variant is present in population databases (no rsID available, gnomAD 0.01%). This variant has not been reported in the literature in individuals affected with ANK2-related conditions. ClinVar contains an entry for this variant (Variation ID: 1000017). Advanced modeling of protein sequence and biophysical properties (such as structural, functional, and spatial information, amino acid conservation, physicochemical variation, residue mobility, and thermodynamic stability) has been performed at Invitae for this missense variant, however the output from this modeling did not meet the statistical confidence thresholds required to predict the impact of this variant on ANK2 protein function. In summary, the available evidence is currently insufficient to determine the role of this variant in disease. Therefore, it has been classified as a Variant of Uncertain Significance.